The following is an entry in ClinVar:

ClinVar aggregate classification (germline): Conflicting classifications of pathogenicity. Review status: criteria provided, conflicting classifications (1 of 4 stars). 2 submissions from 2 submitters: Uncertain significance (1); Likely benign (1). Last evaluated 2024-04-01.

Conditions:
Hereditary cancer-predisposing syndrome. Also called: Tumor predisposition; Hereditary Cancer Syndrome; Neoplastic Syndromes, Hereditary; Hereditary neoplastic syndrome. Identifiers: Orphanet 140162, MedGen C0027672, MeSH D009386, MONDO:0015356.

Submissions (2):

Ambry Genetics
Classification: Uncertain significance for Hereditary cancer-predisposing syndrome. Last evaluated: 2024-04-01. Review status: criteria provided, single submitter. Criteria: Ambry Variant Classification Scheme 2023. Collection method: clinical testing. Allele origin: germline.
Comment: The p.Q858R variant (also known as c.2573A>G), located in coding exon 9 of the BRCA1 gene, results from an A to G substitution at nucleotide position 2573. The glutamine at codon 858 is replaced by arginine, an amino acid with highly similar properties. This amino acid position is well conserved in available vertebrate species. In addition, the in silico prediction for this alteration is inconclusive. Since supporting evidence is limited at this time, the clinical significance of this alteration remains unclear.

University of Washington Department of Laboratory Medicine, University of Washington
Classification: Likely benign for Hereditary cancer-predisposing syndrome. Last evaluated: 2023-03-23. Review status: criteria provided, single submitter. Criteria: Dines et al. (Genet Med. 2020). Collection method: curation. Allele origin: germline.
Comment: Missense variant in a coldspot region where missense variants are very unlikely to be pathogenic (PMID:31911673).

BRCA1 coldspot (exon 11 using historical exon numbering). Reclassification based on statistical prior probability

NM_007294.4(BRCA1):c.2573A>G (p.Gln858Arg)

Gene: BRCA1 (BRCA1 DNA repair associated; minus strand). Cytogenetic location: 17q21.31.
Variant type: single nucleotide variant.
Coding change: c.2573A>G on transcript NM_007294.4 (MANE Select); coding-DNA position 2573, A replaced by G.
Protein change: p.Gln858Arg; replaces glutamine 858 with arginine.
Molecular consequence: missense variant. On other transcripts: intron variant (137).
Genome position (GRCh38, 1-based): chr17:43,092,958, T>C on the plus strand (A>G on the coding strand, the complement: BRCA1 is on the minus strand). VCF-style: chr17-43092958-T-C. GRCh37 (hg19) VCF-style: chr17-41244975-T-C.
Other names: c.2432A>G, p.Gln811Arg (NM_001407852.1, NM_001407851.1, NM_001407850.1 and 29 more transcripts); c.2429A>G, p.Gln810Arg (NM_001407849.1, NM_001407740.1, NM_001407741.1 and 20 more transcripts); c.2573A>G, p.Gln858Arg (NM_001407605.1, NM_001407616.1, NM_001407617.1 and 30 more transcripts); c.2570A>G, p.Gln857Arg (NM_001407610.1, NM_001407611.1, NM_001407612.1 and 22 more transcripts); c.2564A>G, p.Gln855Arg (NM_001407646.1, NM_001407647.1); c.2450A>G, p.Gln817Arg (NM_001407648.1, NM_001407664.1, NM_001407665.1 and 19 more transcripts); c.2447A>G, p.Gln816Arg (NM_001407649.1, NM_001407670.1, NM_001407671.1 and 11 more transcripts); c.2495A>G, p.Gln832Arg (NM_001407653.1, NM_001407654.1, NM_001407655.1 and 4 more transcripts); and 41 more; short protein forms Q816R, Q857R, Q790R, Q817R, Q831R, Q858R, Q730R, Q769R.
Identifiers: ClinVar variation 1793271 (VCV001793271.5), dbSNP rs2154370392, ClinGen allele CA10596847.
Genomic context (GRCh38, chr17:43,092,958, plus strand): 5'-GCATTTCCTGGATTTGAAAACGGAGCAAATGACTGGCGCTTTGAAACCTTGAATGTATTC[T>C]GCAAATACTGAGCATCAAGTTCACTTTCTTCCATTTCTATGCTTGTTTCCCGACTGTGGT-3'
Protein context (NP_009225.1, residues 848-868): EESELDAQYL[Gln858Arg]NTFKVSKRQS